The following is an entry in ClinVar:

NM_000303.3(PMM2):c.356T>C (p.Phe119Ser)

Gene: PMM2 (phosphomannomutase 2; plus strand). Cytogenetic location: 16p13.2.
Variant type: single nucleotide variant.
Coding change: c.356T>C on transcript NM_000303.3 (MANE Select); coding-DNA position 356, T replaced by C.
Protein change: p.Phe119Ser; replaces phenylalanine 119 with serine.
Molecular consequence: missense variant.
Genome position (GRCh38, 1-based): chr16:8,811,087, T>C. VCF-style: chr16-8811087-T-C. GRCh37 (hg19) VCF-style: chr16-8904944-T-C.
Other names: short protein forms F119S.
Identifiers: ClinVar variation 2804450 (VCV002804450.3), dbSNP rs2060674596, ClinGen allele CA394696507.

ClinVar aggregate classification (germline): Likely pathogenic (1 of 4 stars; one submission).

Conditions:
PMM2-congenital disorder of glycosylation. Also called: PMM2-CDG; CDG Ia; Congenital disorder of glycosylation, type Ia; JAEKEN SYNDROME; PHOSPHOMANNOMUTASE 2 DEFICIENCY; CARBOHYDRATE-DEFICIENT GLYCOPROTEIN SYNDROME, TYPE Ia. Identifiers: Orphanet 79318, MedGen C0349653, MONDO:0008907, OMIM 212065.

Allele frequency attached by ClinVar (database versions not stated): gnomAD exomes below 0.00001.

Submission:

Labcorp Genetics (formerly Invitae), Labcorp
Classification: Likely pathogenic for PMM2-congenital disorder of glycosylation. Last evaluated: 2022-12-23. Review status: criteria provided, single submitter. Criteria: Invitae Variant Classification Sherloc (09022015). Collection method: clinical testing. Allele origin: germline.
Comment: In summary, the currently available evidence indicates that the variant is pathogenic, but additional data are needed to prove that conclusively. Therefore, this variant has been classified as Likely Pathogenic. This variant disrupts the p.Phe119 amino acid residue in PMM2. Other variant(s) that disrupt this residue have been determined to be pathogenic (PMID: 9140401, 9781039, 10801058, 11517108, 15645285, 24498599, 26488408, 27053713). This suggests that this residue is clinically significant, and that variants that disrupt this residue are likely to be disease-causing. Advanced modeling of protein sequence and biophysical properties (such as structural, functional, and spatial information, amino acid conservation, physicochemical variation, residue mobility, and thermodynamic stability) performed at Invitae indicates that this missense variant is expected to disrupt PMM2 protein function. This variant has not been reported in the literature in individuals affected with PMM2-related conditions. This variant is not present in population databases (gnomAD no frequency). This sequence change replaces phenylalanine, which is neutral and non-polar, with serine, which is neutral and polar, at codon 119 of the PMM2 protein (p.Phe119Ser).

Literature cited by the submitters: PubMed 9140401; PubMed 9781039; PubMed 10801058; PubMed 11517108; PubMed 15645285; PubMed 24498599; PubMed 26488408; PubMed 27053713.